The following is an entry in ClinVar:

NM_021942.6(TRAPPC11):c.2071C>G (p.Leu691Val)

Gene: TRAPPC11 (trafficking protein particle complex subunit 11; plus strand). Cytogenetic location: 4q35.1.
Variant type: single nucleotide variant.
Coding change: c.2071C>G on transcript NM_021942.6 (MANE Select); coding-DNA position 2071, C replaced by G.
Protein change: p.Leu691Val; replaces leucine 691 with valine.
Molecular consequence: missense variant.
Genome position (GRCh38, 1-based): chr4:183,692,981, C>G. VCF-style: chr4-183692981-C-G. GRCh37 (hg19) VCF-style: chr4-184614134-C-G.
Other names: c.2071C>G (NM_021942.4); c.2071C>G, p.Leu691Val (NM_199053.3); short protein forms L691V.
Identifiers: ClinVar variation 573560 (VCV000573560.12), dbSNP rs777107611, ClinGen allele CA3152099.
Genomic context (GRCh38, chr4:183,692,981, plus strand): 5'-ATGAGATGACATTTCCAACATCCTTTTTTTTCTTTTTAGATTACTTCAGTGGATCTTGCT[C>G]TGGGCAATGAGACGGGAAGATGTGTGGTTTTAAATTGGCAGGGAGGAGGAGGAGATGCTG-3'
Protein context (NP_068761.4, residues 681-701): KIEITSVDLA[Leu691Val]GNETGRCVVL

ClinVar aggregate classification (germline): Uncertain significance. Review status: criteria provided, multiple submitters, no conflicts (2 of 4 stars). 3 submissions from 3 submitters: Uncertain significance (3). Last evaluated 2025-09-09.

Conditions:
Autosomal recessive limb-girdle muscular dystrophy type R18 (LGMDR18). Also called: Limb-girdle muscular dystrophy, type 2S; MUSCULAR DYSTROPHY, LIMB-GIRDLE, AUTOSOMAL RECESSIVE 18; Autosomal recessive limb-girdle muscular dystrophy type 2S. Identifiers: Orphanet 369840, MedGen C4517996, MONDO:0014144, OMIM 615356.
Inborn genetic diseases. Identifiers: MedGen C0950123, MeSH D030342.

Allele frequency attached by ClinVar (database versions not stated): TOPMed below 0.00001; ExAC 0.00001; gnomAD exomes 0.00001.
gnomAD v4.1: 5 of 1,611,076 alleles (0.00031%); highest among the groups gnomAD compares: Non-Finnish European, 0.00042%; no homozygotes.

Submissions (3):

Ambry Genetics
Classification: Uncertain significance for Inborn genetic diseases. Last evaluated: 2025-09-09. Review status: criteria provided, single submitter. Criteria: Ambry Variant Classification Scheme 2023. Collection method: clinical testing. Allele origin: germline.

Labcorp Genetics (formerly Invitae), Labcorp
Classification: Uncertain significance for Autosomal recessive limb-girdle muscular dystrophy type R18. Last evaluated: 2024-03-11. Review status: criteria provided, single submitter. Criteria: Invitae Variant Classification Sherloc (09022015). Collection method: clinical testing. Allele origin: germline.
Comment: This sequence change replaces leucine, which is neutral and non-polar, with valine, which is neutral and non-polar, at codon 691 of the TRAPPC11 protein (p.Leu691Val). This variant is present in population databases (rs777107611, gnomAD 0.003%). This variant has not been reported in the literature in individuals affected with TRAPPC11-related conditions. ClinVar contains an entry for this variant (Variation ID: 573560). Advanced modeling of protein sequence and biophysical properties (such as structural, functional, and spatial information, amino acid conservation, physicochemical variation, residue mobility, and thermodynamic stability) performed at Invitae indicates that this missense variant is expected to disrupt TRAPPC11 protein function with a positive predictive value of 80%. In summary, the available evidence is currently insufficient to determine the role of this variant in disease. Therefore, it has been classified as a Variant of Uncertain Significance.

Revvity Omics, Revvity
Classification: Uncertain significance for Autosomal recessive limb-girdle muscular dystrophy type R18. Last evaluated: 2021-12-02. Review status: criteria provided, single submitter. Criteria: ACMG Guidelines, 2015. Collection method: clinical testing. Allele origin: germline.